The following is an entry in ClinVar:

ClinVar aggregate classification (germline): Uncertain significance (1 of 4 stars; one submission).

Conditions:
Oculofaciocardiodental syndrome (MCOPS2). Identifiers: Orphanet 2712, MedGen C1846265, MONDO:0010261, OMIM 300166.

Allele frequency attached by ClinVar (database versions not stated): gnomAD exomes below 0.00001; ExAC 0.00001; TOPMed 0.00001.
gnomAD v4.1: 3 of 1,212,512 alleles (0.00025%); highest among the groups gnomAD compares: East Asian, 0.003%; no homozygotes.

Submission:

Labcorp Genetics (formerly Invitae), Labcorp
Classification: Uncertain significance for Oculofaciocardiodental syndrome. Last evaluated: 2022-12-26. Review status: criteria provided, single submitter. Criteria: Invitae Variant Classification Sherloc (09022015). Collection method: clinical testing. Allele origin: germline.
Comment: This variant has not been reported in the literature in individuals affected with BCOR-related conditions. The frequency data for this variant in the population databases is considered unreliable, as metrics indicate poor data quality at this position in the gnomAD database. This sequence change replaces glutamic acid, which is acidic and polar, with aspartic acid, which is acidic and polar, at codon 519 of the BCOR protein (p.Glu519Asp). Algorithms developed to predict the effect of missense changes on protein structure and function output the following: SIFT: "Deleterious"; PolyPhen-2: "Benign"; Align-GVGD: "Class C35". The aspartic acid amino acid residue is found in multiple mammalian species, which suggests that this missense change does not adversely affect protein function. In summary, the available evidence is currently insufficient to determine the role of this variant in disease. Therefore, it has been classified as a Variant of Uncertain Significance.

NM_001123385.2(BCOR):c.1557G>C (p.Glu519Asp)

Genes: BCOR (BCL6 corepressor; minus strand), LOC126863239 (MED14-independent group 3 enhancer GRCh37_chrX:39932994-39934193; plus strand). Cytogenetic location: Xp11.4.
Variant type: single nucleotide variant.
Coding change: c.1557G>C on transcript NM_001123385.2 (MANE Select); coding-DNA position 1557, G replaced by C.
Protein change: p.Glu519Asp; replaces glutamic acid 519 with aspartic acid.
Molecular consequence: missense variant.
Genome position (GRCh38, 1-based): chrX:40,073,789, C>G on the plus strand (G>C on the coding strand, the complement: BCOR is on the minus strand). VCF-style: chrX-40073789-C-G. GRCh37 (hg19) VCF-style: chrX-39933042-C-G.
Other names: c.1557G>C, p.Glu519Asp (NM_001123383.2, NM_001123384.2, NM_017745.6); short protein forms E519D.
Identifiers: ClinVar variation 2914059 (VCV002914059.3), dbSNP rs762205243, ClinGen allele CA10386915.